The following is an entry in ClinVar:

NM_182641.4(BPTF):c.7162C>T (p.Gln2388Ter)

Gene: BPTF (bromodomain PHD finger transcription factor; plus strand). Cytogenetic location: 17q24.2.
Variant type: single nucleotide variant.
Coding change: c.7162C>T on transcript NM_182641.4 (MANE Select); coding-DNA position 7162, C replaced by T.
Protein change: p.Gln2388Ter; replaces glutamine 2388 with a stop codon.
Molecular consequence: nonsense.
Genome position (GRCh38, 1-based): chr17:67,945,870, C>T. VCF-style: chr17-67945870-C-T. GRCh37 (hg19) VCF-style: chr17-65941986-C-T.
Other names: c.7540C>T, p.Gln2514Ter (NM_004459.7); short protein forms Q2388*, Q2514*.
Identifiers: ClinVar variation 1802122 (VCV001802122.1), dbSNP rs2512543726, ClinGen allele CA400724494.

ClinVar aggregate classification (germline): Pathogenic (1 of 4 stars; one submission).

Submission:

GeneDx
Classification: Pathogenic. Last evaluated: 2022-12-01. Review status: criteria provided, single submitter. Criteria: GeneDx Variant Classification Process June 2021. Collection method: clinical testing. Allele origin: germline. Affected: yes.
Comment: Nonsense variant predicted to result in protein truncation or nonsense mediated decay in a gene for which loss-of-function is a known mechanism of disease; Not observed in large population cohorts (gnomAD); Has not been previously published as pathogenic or benign to our knowledge